The following is an entry in ClinVar:

ClinVar aggregate classification (germline): Uncertain significance (1 of 4 stars; one submission).

Submission:

Labcorp Genetics (formerly Invitae), Labcorp
Classification: Uncertain significance. Last evaluated: 2024-05-24. Review status: criteria provided, single submitter. Criteria: Invitae Variant Classification Sherloc (09022015). Collection method: clinical testing. Allele origin: germline.
Comment: This sequence change replaces asparagine, which is neutral and polar, with histidine, which is basic and polar, at codon 342 of the IRF2BP2 protein (p.Asn342His). This variant is not present in population databases (gnomAD no frequency). This variant has not been reported in the literature in individuals affected with IRF2BP2-related conditions. An algorithm developed to predict the effect of missense changes on protein structure and function (PolyPhen-2) suggests that this variant is likely to be disruptive. In summary, the available evidence is currently insufficient to determine the role of this variant in disease. Therefore, it has been classified as a Variant of Uncertain Significance.

NM_182972.3(IRF2BP2):c.1024A>C (p.Asn342His)

Genes: IRF2BP2 (interferon regulatory factor 2 binding protein 2; minus strand), LOC129932810 (ATAC-STARR-seq lymphoblastoid active region 2760; plus strand). Cytogenetic location: 1q42.3.
Variant type: single nucleotide variant.
Coding change: c.1024A>C on transcript NM_182972.3 (MANE Select); coding-DNA position 1024, A replaced by C.
Protein change: p.Asn342His; replaces asparagine 342 with histidine.
Molecular consequence: missense variant. On other transcripts: intron variant (1).
Genome position (GRCh38, 1-based): chr1:234,608,471, T>G on the plus strand (A>C on the coding strand, the complement: IRF2BP2 is on the minus strand). VCF-style: chr1-234608471-T-G. GRCh37 (hg19) VCF-style: chr1-234744217-T-G.
Other names: c.1000+24A>C (NM_001077397.1); short protein forms N342H.
Identifiers: ClinVar variation 3631766 (VCV003631766.2).